The following is an entry in ClinVar:

ClinVar aggregate classification (germline): Likely pathogenic (1 of 4 stars; one submission).

Conditions:
Autosomal dominant keratitis-ichthyosis-hearing loss syndrome. Also called: HID SYNDROME; KID SYNDROME, AUTOSOMAL DOMINANT; Senter syndrome. Identifiers: Orphanet 477, MedGen C0265336, MONDO:0007850, OMIM 148210.
Autosomal recessive nonsyndromic hearing loss 1A (DFNB1A). Also called: Connexin 26 deafness; Deafness nonsyndromic, Connexin 26 linked; GJB6-Related DFNB 1 Nonsyndromic Hearing Loss and Deafness; Deafness, autosomal recessive 1A; Nonsyndromic Hearing Loss and Deafness, DFNB1; GJB2-Related Autosomal Recessive Nonsyndromic Hearing Loss. Identifiers: Orphanet 90636, MedGen C2673759, MONDO:0009076, OMIM 220290.
Knuckle pads, deafness AND leukonychia syndrome. Also called: Bart-Pumphrey syndrome. Identifiers: Orphanet 2698, MedGen C0266004, MONDO:0007866, OMIM 149200.
Mutilating keratoderma (VOWNKL). Also called: Keratoderma hereditarium mutilans. Identifiers: Orphanet 494, MedGen C0265964, MONDO:0007422, OMIM 124500.
Ichthyosis, hystrix-like, with hearing loss. Also called: Hystrix-like ichthyosis with deafness. Identifiers: Orphanet 477, MedGen C1865234, MONDO:0011245.
Palmoplantar keratoderma-deafness syndrome. Also called: Keratoderma palmoplantar, with deafness; Palmoplantar keratoderma and sensorineural deafness; Hereditary palmoplantar keratoderma with deafness (subtype); Focal palmoplantar keratoderma with sensorineural deafness (subtype); Diffuse palmoplantar keratoderma with deafness (subtype). Identifiers: Orphanet 2202, MedGen C1835672, MONDO:0007852, OMIM 148350.
Autosomal dominant nonsyndromic hearing loss 3A. Identifiers: Orphanet 90635, MedGen C2675750, MONDO:0011103, OMIM 601544.

Submission:

Juno Genomics, Hangzhou Juno Genomics, Inc
Classification: Likely pathogenic for Mutilating keratoderma; Knuckle pads, deafness AND leukonychia syndrome; Autosomal dominant nonsyndromic hearing loss 3A; Autosomal recessive nonsyndromic hearing loss 1A; Autosomal dominant keratitis-ichthyosis-hearing loss syndrome; Palmoplantar keratoderma-deafness syndrome. Review status: criteria provided, single submitter. Criteria: ACMG Guidelines, 2015. Collection method: clinical testing. Allele origin: germline. Affected: yes.
Comment: Absent from controls (or at extremely low frequency if recessive) in Genome Aggregation Database, Exome Sequencing Project, 1000 Genomes Project, or Exome Aggregation Consortium.;Multiple lines of computational evidence support a deleterious effect on the gene or gene product (conservation, evolutionary, splicing impact, etc).;For recessive disorders, detected in trans with a pathogenic variant.

NM_004004.6(GJB2):c.580T>C (p.Phe194Leu)

Gene: GJB2 (gap junction protein beta 2; minus strand). Cytogenetic location: 13q12.11.
Variant type: single nucleotide variant.
Coding change: c.580T>C on transcript NM_004004.6 (MANE Select); coding-DNA position 580, T replaced by C.
Protein change: p.Phe194Leu; replaces phenylalanine 194 with leucine.
Molecular consequence: missense variant.
Genome position (GRCh38, 1-based): chr13:20,189,002, A>G on the plus strand (T>C on the coding strand, the complement: GJB2 is on the minus strand). VCF-style: chr13-20189002-A-G. GRCh37 (hg19) VCF-style: chr13-20763141-A-G.
Other names: short protein forms F194L.
Identifiers: ClinVar variation 4796582 (VCV004796582.1).